The following is an entry in ClinVar:

ClinVar aggregate classification (germline): Uncertain significance. Review status: criteria provided, multiple submitters, no conflicts (2 of 4 stars). 3 submissions from 3 submitters: Uncertain significance (3). Last evaluated 2025-08-24.

Conditions:
Autosomal dominant optic atrophy classic form (OPA1). Also called: KJER-TYPE OPTIC ATROPHY; OPTIC ATROPHY, JUVENILE; Optic Atrophy Type 1. Identifiers: Orphanet 98673, MedGen C0338508, MONDO:0008134, OMIM 165500.

Allele frequency attached by ClinVar (database versions not stated): gnomAD exomes below 0.00001; ExAC 0.00001; gnomAD 0.00001.
gnomAD v4.1: 9 of 1,601,432 alleles (0.00056%); highest among the groups gnomAD compares: Non-Finnish European, 0.00051%; no homozygotes.

Submissions (3):

Labcorp Genetics (formerly Invitae), Labcorp
Classification: Uncertain significance. Last evaluated: 2025-08-24. Review status: criteria provided, single submitter. Criteria: Invitae Variant Classification Sherloc (09022015). Collection method: clinical testing. Allele origin: germline.
Comment: This sequence change replaces tyrosine, which is neutral and polar, with cysteine, which is neutral and slightly polar, at codon 146 of the OPA1 protein (p.Tyr146Cys). This variant is present in population databases (rs765139537, gnomAD 0.003%). This variant has not been reported in the literature in individuals affected with OPA1-related conditions. ClinVar contains an entry for this variant (Variation ID: 1709565). Invitae Evidence Modeling of protein sequence and biophysical properties (such as structural, functional, and spatial information, amino acid conservation, physicochemical variation, residue mobility, and thermodynamic stability) indicates that this missense variant is not expected to disrupt OPA1 protein function with a negative predictive value of 80%. In summary, the available evidence is currently insufficient to determine the role of this variant in disease. Therefore, it has been classified as a Variant of Uncertain Significance.

MGZ Medical Genetics Center
Classification: Uncertain significance for Autosomal dominant optic atrophy classic form. Last evaluated: 2022-06-21. Review status: criteria provided, single submitter. Criteria: ACMG Guidelines, 2015. Collection method: clinical testing. Allele origin: germline. Affected: yes. Observed: 1 variant allele.
Comment: ACMG criteria applied: PM2_SUP

Blueprint Genetics
Classification: Uncertain significance. Last evaluated: 2020-01-07. Review status: criteria provided, single submitter. Criteria: ACMG Guidelines, 2015. Collection method: clinical testing. Allele origin: germline.

NM_130837.3(OPA1):c.437A>G (p.Tyr146Cys)

Gene: OPA1 (OPA1 mitochondrial dynamin like GTPase; plus strand). Cytogenetic location: 3q29.
Variant type: single nucleotide variant.
Coding change: c.437A>G on transcript NM_130837.3 (MANE Select); coding-DNA position 437, A replaced by G.
Protein change: p.Tyr146Cys; replaces tyrosine 146 with cysteine.
Molecular consequence: missense variant.
Genome position (GRCh38, 1-based): chr3:193,615,759, A>G. VCF-style: chr3-193615759-A-G. GRCh37 (hg19) VCF-style: chr3-193333548-A-G.
Other names: c.65A>G, p.Tyr22Cys (NM_001354663.2, NM_001354664.2); c.437A>G, p.Tyr146Cys (NM_015560.3, NM_130831.3, NM_130832.3 and 4 more transcripts); short protein forms Y146C, Y22C.
Identifiers: ClinVar variation 1709565 (VCV001709565.8), dbSNP rs765139537, ClinGen allele CA2759008.